The following is an entry in ClinVar:

ClinVar aggregate classification (germline): Likely benign (0 of 4 stars; one submission).

Conditions:
GNAS-related disorder. Identifiers: MedGen CN380105.

Allele frequency attached by ClinVar (database versions not stated): gnomAD exomes below 0.00001; TOPMed below 0.00001.
gnomAD v4.1: 1 of 1,231,556 alleles (0.000081%); highest among the groups gnomAD compares: Non-Finnish European, 0.00011%; no homozygotes.

Submission:

PreventionGenetics, part of Exact Sciences
Classification: Likely benign for GNAS-related condition. Last evaluated: 2021-03-23. Review status: no assertion criteria provided. Collection method: clinical testing. Allele origin: germline.
Comment: This variant is classified as likely benign based on ACMG/AMP sequence variant interpretation guidelines (Richards et al. 2015 PMID: 25741868, with internal and published modifications).

NM_000516.7(GNAS):c.126C>T (p.Arg42=)

Gene: GNAS (GNAS complex locus; plus strand). Cytogenetic location: 20q13.32.
Variant type: single nucleotide variant.
Coding change: c.126C>T on transcript NM_000516.7 (MANE Select); coding-DNA position 126, C replaced by T.
Protein change: p.Arg42=; no amino-acid change (arginine 42 retained).
Molecular consequence: synonymous variant. On other transcripts: intron variant (8).
Genome position (GRCh38, 1-based): chr20:58,891,852, C>T. VCF-style: chr20-58891852-C-T. GRCh37 (hg19) VCF-style: chr20-57466907-C-T.
Other names: c.126C>T, p.Arg42= (NM_001077488.5, NM_001077489.4, NM_001309842.2 and 1 more transcripts); c.*43-3760C>T (NM_016592.5); c.44-3760C>T (NM_001410912.1); c.-38-3760C>T (NM_001309861.2); c.*1-3760C>T (NM_001077490.3); c.2069-3760C>T (NM_080425.4, NM_001410913.1); c.*159-3760C>T (NM_001309883.1); c.-39+2499C>T (NM_001309840.2).
Identifiers: ClinVar variation 3031178 (VCV003031178.2), dbSNP rs1277815386, ClinGen allele CA746044576.
Genomic context (GRCh38, chr20:58,891,852, plus strand): 5'-CAACAAAAAGATCGAGAAGCAGCTGCAGAAGGACAAGCAGGTCTACCGGGCCACGCACCG[C>T]CTGCTGCTGCTGGGTAAGGGCGGGCGGGGGGCGCCGGCCCCGGCCCGGGGGCCCTCGAAG-3'
Protein context (NP_000507.1, residues 32-52): KDKQVYRATH[Arg42=]LLLLGAGESG